The following is an entry in ClinVar:

NM_003185.4(TAF4):c.1007C>A (p.Ala336Glu)

Genes: MIR3195 (microRNA 3195; plus strand), TAF4 (TATA-box binding protein associated factor 4; minus strand). Cytogenetic location: 20q13.33.
Variant type: single nucleotide variant.
Coding change: c.1007C>A on transcript NM_003185.4 (MANE Select); coding-DNA position 1007, C replaced by A.
Protein change: p.Ala336Glu; replaces alanine 336 with glutamic acid.
Molecular consequence: missense variant. On other transcripts: non-coding transcript variant (1).
Genome position (GRCh38, 1-based): chr20:62,064,804, G>T on the plus strand (C>A on the coding strand, the complement: TAF4 is on the minus strand). VCF-style: chr20-62064804-G-T. GRCh37 (hg19) VCF-style: chr20-60639860-G-T.
Other names: short protein forms A336E.
Identifiers: ClinVar variation 4886175 (VCV004886175.2).
Genomic context (GRCh38, chr20:62,064,804, plus strand): 5'-GGGGGCGCCGCCTGCACCACCCTCTTGGGCGACTCGGCCTTGACCCCCGGCGCCGGCGCC[G>T]CAGCCGCCGCGCCGGGCCCGGGTTGGCCGCTGACCCCCGCGGGGCCCCCGGCGGCCGGGG-3'
Protein context (NP_003176.2, residues 326-346): SGQPGPGAAA[Ala336Glu]APAPGVKAES

ClinVar aggregate classification (germline): Uncertain significance (1 of 4 stars; one submission).

Submission:

Dasa
Classification: Uncertain significance. Last evaluated: 2025-02-13. Review status: criteria provided, single submitter. Criteria: DASA Assertion Criteria. Collection method: clinical testing. Allele origin: germline.
Comment: NM_003185.4(TAF4):c.1007C>A (p.Ala336Glu) is a missense variant that results in the substitution of alanine with glutamic acid. This variant is rare in population databases. Computational prediction algorithms are consistent with a benign effect. The currently available literature and clinical evidence are not sufficient to establish a definitive association between this variant and the reported condition. Therefore, this variant is classified as a variant of uncertain significance.